The following is an entry in ClinVar:

NM_000257.4(MYH7):c.530+243G>A

Gene: MYH7 (myosin heavy chain 7; minus strand). Cytogenetic location: 14q11.2.
Variant type: single nucleotide variant.
Coding change: c.530+243G>A on transcript NM_000257.4 (MANE Select); 243 bases into the intron after coding-DNA position 530, G replaced by A.
Molecular consequence: intron variant.
Genome position (GRCh38, 1-based): chr14:23,432,236, C>T on the plus strand (G>A on the coding strand, the complement: MYH7 is on the minus strand). VCF-style: chr14-23432236-C-T. GRCh37 (hg19) VCF-style: chr14-23901445-C-T.
Identifiers: ClinVar variation 673013 (VCV000673013.1), dbSNP rs74039322, ClinGen allele CA257826286.

ClinVar aggregate classification (germline): Likely benign (1 of 4 stars; one submission).

Allele frequency attached by ClinVar (database versions not stated): gnomAD 0.00425 and 0.00451; TOPMed 0.00449; 1000 Genomes Project 0.00539; 1000 Genomes Project 30x 0.00562.
gnomAD v4.1: 635 of 151,956 alleles (0.42%); highest among the groups gnomAD compares: African/African-American, 1.5%; 6 homozygotes.

Submission:

GeneDx
Classification: Likely benign. Last evaluated: 2018-06-19. Review status: criteria provided, single submitter. Criteria: GeneDx Variant Classification (06012015). Collection method: clinical testing. Allele origin: germline. Affected: yes.
Comment: This variant is considered likely benign or benign based on one or more of the following criteria: it is a conservative change, it occurs at a poorly conserved position in the protein, it is predicted to be benign by multiple in silico algorithms, and/or has population frequency not consistent with disease.